The following is an entry in ClinVar:

ClinVar aggregate classification (germline): Benign/Likely benign. Review status: criteria provided, multiple submitters, no conflicts (2 of 4 stars). 2 submissions from 2 submitters: Benign (1); Likely benign (1). Last evaluated 2022-10-01.

Conditions:
Spinocerebellar ataxia type 27 (SCA27). Identifiers: Orphanet 98764, MedGen C1836383, MONDO:0012247.

Allele frequency attached by ClinVar (database versions not stated): 1000 Genomes Project 0.00140; TOPMed 0.00330; gnomAD 0.00355 and 0.00357.

Submissions (2):

CeGaT Center for Human Genetics Tuebingen
Classification: Benign. Last evaluated: 2022-10-01. Review status: criteria provided, single submitter. Criteria: CeGaT Center For Human Genetics Tuebingen Variant Classification Criteria Version 2. Collection method: clinical testing. Allele origin: germline. Affected: yes. Observed: 2 variant alleles.
Comment: FGF14: BS1, BS2

Illumina Laboratory Services, Illumina
Classification: Likely benign for Spinocerebellar ataxia 27A. Last evaluated: 2018-01-13. Review status: criteria provided, single submitter. Criteria: ICSL Variant Classification Criteria 13 December 2019. Collection method: clinical testing. Allele origin: germline.
Comment: This variant was observed in the ICSL laboratory as part of a predisposition screen in an ostensibly healthy population. It had not been previously curated by ICSL or reported in the Human Gene Mutation Database (HGMD: prior to June 1st, 2018), and was therefore a candidate for classification through an automated scoring system. Utilizing variant allele frequency, disease prevalence and penetrance estimates, and inheritance mode, an automated score was calculated to assess if this variant is too frequent to cause the disease. Based on the score and internal cut-off values, a variant classified as likely benign is not then subjected to further curation. The score for this variant resulted in a classification of likely benign for this disease.

NM_004115.4(FGF14):c.*1259C>T

Gene: FGF14 (fibroblast growth factor 14; minus strand). Cytogenetic location: 13q33.1.
Variant type: single nucleotide variant.
Coding change: c.*1259C>T on transcript NM_004115.4 (MANE Select); 1259 bases downstream of the stop codon, C replaced by T.
Molecular consequence: 3 prime UTR variant.
Genome position (GRCh38, 1-based): chr13:101,721,572, G>A on the plus strand (C>T on the coding strand, the complement: FGF14 is on the minus strand). VCF-style: chr13-101721572-G-A. GRCh37 (hg19) VCF-style: chr13-102373922-G-A.
Other names: c.*1259C>T (NM_001321931.1, NM_001321932.1, NM_001321933.1 and 17 more transcripts).
Identifiers: ClinVar variation 310868 (VCV000310868.34), dbSNP rs535930764, ClinGen allele CA10643634.
Genomic context (GRCh38, chr13:101,721,572, plus strand): 5'-TGGGCAACATGAGCCCCAGATGCTGAGCTAGAGGCATGTACTGGTGAAATACACAGTACC[G>A]GACTCAGCATGCTGAGCTAAAAAAAATATTTTTCCTAATATGTCCAGTTTAAAAACTTGT-3'